The following is an entry in ClinVar:

ClinVar aggregate classification (germline): Benign/Likely benign. Review status: criteria provided, multiple submitters, no conflicts (2 of 4 stars). 6 submissions from 6 submitters: Benign (4); Likely benign (2). Last evaluated 2025-12-01.

Conditions:
Charcot-Marie-Tooth disease. Also called: Charcot-Marie-Tooth Neuropathy; Charcot-Marie-Tooth Hereditary Neuropathy. Identifiers: Orphanet 166, MedGen C0007959, MONDO:0015626.
Inborn genetic diseases. Identifiers: MedGen C0950123, MeSH D030342.
Charcot-Marie-Tooth disease axonal type 2F (CMT2F). Also called: CHARCOT-MARIE-TOOTH DISEASE, NEURONAL, TYPE 2F; Charcot-Marie-Tooth Neuropathy Type 2F. Identifiers: Orphanet 99940, MedGen C1847823, MONDO:0011687, OMIM 606595.

Allele frequency attached by ClinVar (database versions not stated): gnomAD 0.00001 and 0.00033; TOPMed 0.00006; gnomAD exomes 0.00057 and 0.00115; ExAC 0.00154; 1000 Genomes Project 0.00180; 1000 Genomes Project 30x 0.00187.
gnomAD v4.1: 878 of 1,613,038 alleles (0.054%); highest among the groups gnomAD compares: South Asian, 0.92%; 18 homozygotes.

Submissions (6):

CeGaT Center for Human Genetics Tuebingen
Classification: Benign. Last evaluated: 2025-12-01. Review status: criteria provided, single submitter. Criteria: CeGaT Center For Human Genetics Tuebingen Variant Classification Criteria Version 2. Collection method: clinical testing. Allele origin: germline. Affected: yes. Observed: 1 variant allele.
Comment: HSPB1: BP4, BP7, BS1, BS2

Labcorp Genetics (formerly Invitae), Labcorp
Classification: Benign for Charcot-Marie-Tooth disease axonal type 2F. Last evaluated: 2025-11-23. Review status: criteria provided, single submitter. Criteria: Invitae Variant Classification Sherloc (09022015). Collection method: clinical testing. Allele origin: germline.

Athena Diagnostics
Classification: Benign. Last evaluated: 2023-11-07. Review status: criteria provided, single submitter. Criteria: Athena Diagnostics Criteria. Collection method: clinical testing. Allele origin: unknown.

Ambry Genetics
Classification: Likely benign for Inborn genetic diseases. Last evaluated: 2019-07-11. Review status: criteria provided, single submitter. Criteria: Ambry Variant Classification Scheme 2023. Collection method: clinical testing. Allele origin: germline.

GeneDx
Classification: Benign. Last evaluated: 2019-03-25. Review status: criteria provided, single submitter. Criteria: GeneDx Variant Classification Process June 2021. Collection method: clinical testing. Allele origin: germline. Affected: yes.

Molecular Genetics Laboratory, London Health Sciences Centre
Classification: Likely benign for Charcot-Marie-Tooth disease. Review status: criteria provided, single submitter. Criteria: ACMG Guidelines, 2015. Collection method: clinical testing. Allele origin: germline. Affected: yes.

NM_001540.5(HSPB1):c.567C>T (p.Ala189=)

Gene: HSPB1 (heat shock protein family B (small) member 1; plus strand). Cytogenetic location: 7q11.23.
Variant type: single nucleotide variant.
Coding change: c.567C>T on transcript NM_001540.5 (MANE Select); coding-DNA position 567, C replaced by T.
Protein change: p.Ala189=; no amino-acid change (alanine 189 retained).
Molecular consequence: synonymous variant.
Genome position (GRCh38, 1-based): chr7:76,304,122, C>T. VCF-style: chr7-76304122-C-T. GRCh37 (hg19) VCF-style: chr7-75933439-C-T.
Other names: c.567C>T (LRG_248t1).
Identifiers: ClinVar variation 239029 (VCV000239029.24), dbSNP rs528301561, ClinGen allele CA4306447.